The following is an entry in ClinVar:

ClinVar aggregate classification (germline): Benign (1 of 4 stars; one submission).

Conditions:
Familial adenomatous polyposis 1 (FAP1). Also called: POLYPOSIS, ADENOMATOUS INTESTINAL; FAMILIAL ADENOMATOUS POLYPOSIS 1, ATTENUATED. Identifiers: MedGen C2713442, MONDO:0021056, OMIM 175100. Disease mechanism: loss of function.

Submission:

Myriad Genetics, Inc.
Classification: Benign for Familial adenomatous polyposis 1. Last evaluated: 2024-04-05. Review status: criteria provided, single submitter. Criteria: Myriad Autosomal Dominant, Autosomal Recessive and X-Linked Classification Criteria (2023). Collection method: clinical testing. Allele origin: unknown.
Comment: This variant is considered benign. This variant is a silent/synonymous amino acid change and it is not expected to impact splicing.

NM_000038.6(APC):c.6762G>A (p.Lys2254=)

Gene: APC (APC regulator of Wnt signaling pathway; plus strand). Cytogenetic location: 5q22.2.
Variant type: single nucleotide variant.
Coding change: c.6762G>A on transcript NM_000038.6 (MANE Select); coding-DNA position 6762, G replaced by A.
Protein change: p.Lys2254=; no amino-acid change (lysine 2254 retained).
Molecular consequence: synonymous variant. On other transcripts: non-coding transcript variant (2).
Genome position (GRCh38, 1-based): chr5:112,842,356, G>A. VCF-style: chr5-112842356-G-A. GRCh37 (hg19) VCF-style: chr5-112178053-G-A.
Other names: c.6762G>A, p.Lys2254= (NM_001127510.3, NM_001354895.2, NM_001407450.1); c.6708G>A, p.Lys2236= (NM_001127511.3); c.6816G>A, p.Lys2272= (NM_001354896.2, NM_001407447.1, NM_001407448.1 and 1 more transcripts); c.6792G>A, p.Lys2264= (NM_001354897.2); c.6687G>A, p.Lys2229= (NM_001354898.2); c.6678G>A, p.Lys2226= (NM_001354899.2); c.6639G>A, p.Lys2213= (NM_001354900.2); c.6585G>A, p.Lys2195= (NM_001354901.2, NM_001407453.1); and 11 more.
Identifiers: ClinVar variation 3254016 (VCV003254016.1), dbSNP rs2149972531.
Genomic context (GRCh38, chr5:112,842,356, plus strand): 5'-AGGAGTTCGAAATAGCTCCTCAAGTACAAGTCCTGTTTCTAAAAAAGGCCCACCCCTTAA[G>A]ACTCCAGCCTCCAAAAGCCCTAGTGAAGGTCAAACAGCCACCACTTCTCCTAGAGGAGCC-3'
Protein context (NP_000029.2, residues 2244-2264): SPVSKKGPPL[Lys2254=]TPASKSPSEG